The following is an entry in ClinVar:

NM_182914.3(SYNE2):c.6398A>T (p.Tyr2133Phe)

Gene: SYNE2 (spectrin repeat containing nuclear envelope protein 2; plus strand). Cytogenetic location: 14q23.2.
Variant type: single nucleotide variant.
Coding change: c.6398A>T on transcript NM_182914.3 (MANE Select); coding-DNA position 6398, A replaced by T.
Protein change: p.Tyr2133Phe; replaces tyrosine 2133 with phenylalanine.
Molecular consequence: missense variant.
Genome position (GRCh38, 1-based): chr14:64,026,724, A>T. VCF-style: chr14-64026724-A-T. GRCh37 (hg19) VCF-style: chr14-64493442-A-T.
Other names: c.6398A>T, p.Tyr2133Phe (NM_015180.6); short protein forms Y2133F.
Identifiers: ClinVar variation 1515793 (VCV001515793.8), dbSNP rs1307365295, ClinGen allele CA389947936.

ClinVar aggregate classification (germline): Uncertain significance (1 of 4 stars; one submission).

Conditions:
Emery-Dreifuss muscular dystrophy 5, autosomal dominant (EDMD5). Also called: EMERY-DREIFUSS MUSCULAR DYSTROPHY 5. Identifiers: Orphanet 261, MedGen C2751805, MONDO:0013072, OMIM 612999.

Allele frequency attached by ClinVar (database versions not stated): gnomAD exomes 0.00001 and 0.00002.
gnomAD v4.1: 5 of 1,606,678 alleles (0.00031%); highest among the groups gnomAD compares: Admixed American, 0.0068%; no homozygotes.

Submission:

Labcorp Genetics (formerly Invitae), Labcorp
Classification: Uncertain significance for Emery-Dreifuss muscular dystrophy 5, autosomal dominant. Last evaluated: 2022-08-16. Review status: criteria provided, single submitter. Criteria: Invitae Variant Classification Sherloc (09022015). Collection method: clinical testing. Allele origin: germline.
Comment: Algorithms developed to predict the effect of missense changes on protein structure and function are either unavailable or do not agree on the potential impact of this missense change (SIFT: "Tolerated"; PolyPhen-2: "Probably Damaging"; Align-GVGD: "Class C0"). ClinVar contains an entry for this variant (Variation ID: 1515793). This variant has not been reported in the literature in individuals affected with SYNE2-related conditions. This variant is present in population databases (no rsID available, gnomAD 0.02%). This sequence change replaces tyrosine, which is neutral and polar, with phenylalanine, which is neutral and non-polar, at codon 2133 of the SYNE2 protein (p.Tyr2133Phe). In summary, the available evidence is currently insufficient to determine the role of this variant in disease. Therefore, it has been classified as a Variant of Uncertain Significance.